The following is an entry in ClinVar:

NM_000135.4(FANCA):c.475A>G (p.Ser159Gly)

Gene: FANCA (FA complementation group A; minus strand). Cytogenetic location: 16q24.3.
Variant type: single nucleotide variant.
Coding change: c.475A>G on transcript NM_000135.4 (MANE Select); coding-DNA position 475, A replaced by G.
Protein change: p.Ser159Gly; replaces serine 159 with glycine.
Molecular consequence: missense variant. On other transcripts: intron variant (1).
Genome position (GRCh38, 1-based): chr16:89,810,754, T>C on the plus strand (A>G on the coding strand, the complement: FANCA is on the minus strand). VCF-style: chr16-89810754-T-C. GRCh37 (hg19) VCF-style: chr16-89877162-T-C.
Other names: c.475A>G (LRG_495t1); c.475A>G, p.Ser159Gly (NM_001018112.3, NM_001286167.3); c.426+175A>G (NM_001351830.2); short protein forms S159G.
Identifiers: ClinVar variation 646207 (VCV000646207.11), dbSNP rs770716257, ClinGen allele CA8252997.

ClinVar aggregate classification (germline): Uncertain significance. Review status: criteria provided, multiple submitters, no conflicts (2 of 4 stars). 5 submissions from 5 submitters: Uncertain significance (4). 1 of the submissions does not count toward it. Last evaluated 2025-11-20.

Conditions:
Fanconi anemia (FA). Also called: Fanconi's anemia. Identifiers: Orphanet 84, MedGen C0015625, MeSH D005199, MONDO:0019391.
Fanconi anemia complementation group A (FANCA). Also called: FANCA-Related Fanconi Anemia; Fanconi anemia, group A. Identifiers: Orphanet 84, MedGen C3469521, MONDO:0009215, OMIM 227650.
Inborn genetic diseases. Identifiers: MedGen C0950123, MeSH D030342.

Allele frequency attached by ClinVar (database versions not stated): gnomAD 0.00001; ExAC 0.00002; gnomAD exomes 0.00002; TOPMed 0.00002.
gnomAD v4.1: 25 of 1,613,448 alleles (0.0015%); highest among the groups gnomAD compares: Admixed American, 0.0083%; no homozygotes.

Submissions (5):

Ambry Genetics
Classification: Uncertain significance for Inborn genetic diseases. Last evaluated: 2025-11-20. Review status: criteria provided, single submitter. Criteria: Ambry Variant Classification Scheme 2023. Collection method: clinical testing. Allele origin: germline.

Fulgent Genetics
Classification: Uncertain significance for Fanconi anemia complementation group A. Last evaluated: 2024-04-26. Review status: criteria provided, single submitter. Criteria: ACMG Guidelines, 2015. Collection method: clinical testing. Allele origin: germline.

Labcorp Genetics (formerly Invitae), Labcorp
Classification: Uncertain significance for Fanconi anemia. Last evaluated: 2022-06-14. Review status: criteria provided, single submitter. Criteria: Invitae Variant Classification Sherloc (09022015). Collection method: clinical testing. Allele origin: germline.
Comment: This sequence change replaces serine, which is neutral and polar, with glycine, which is neutral and non-polar, at codon 159 of the FANCA protein (p.Ser159Gly). This variant is present in population databases (rs770716257, gnomAD 0.01%). This variant has not been reported in the literature in individuals affected with FANCA-related conditions. ClinVar contains an entry for this variant (Variation ID: 646207). Advanced modeling of protein sequence and biophysical properties (such as structural, functional, and spatial information, amino acid conservation, physicochemical variation, residue mobility, and thermodynamic stability) performed at Invitae indicates that this missense variant is not expected to disrupt FANCA protein function. Algorithms developed to predict the effect of sequence changes on RNA splicing suggest that this variant may create or strengthen a splice site. In summary, the available evidence is currently insufficient to determine the role of this variant in disease. Therefore, it has been classified as a Variant of Uncertain Significance.

GeneDx
Classification: Uncertain significance. Last evaluated: 2020-12-21. Review status: criteria provided, single submitter. Criteria: GeneDx Variant Classification Process June 2021. Collection method: clinical testing. Allele origin: germline. Affected: yes.
Comment: While protein-based in silico analysis supports that this missense variant does not alter protein structure/function, splice predictors suggest it may impact gene splicing. In the absence of RNA or functional studies, the actual effect of this sequence change is unknown.; Has not been previously published as pathogenic or benign to our knowledge

Natera, Inc.
Classification: Uncertain significance for Fanconi anemia. Last evaluated: 2021-06-21. Review status: no assertion criteria provided. Collection method: clinical testing. Allele origin: germline. Not counted in ClinVar's aggregate classification.